The following is an entry in ClinVar:

NM_001122630.2(CDKN1C):c.636C>A (p.Ser212Arg)

Gene: CDKN1C (cyclin dependent kinase inhibitor 1C; minus strand). Cytogenetic location: 11p15.4.
Variant type: single nucleotide variant.
Coding change: c.636C>A on transcript NM_001122630.2 (MANE Select); coding-DNA position 636, C replaced by A.
Protein change: p.Ser212Arg; replaces serine 212 with arginine.
Molecular consequence: missense variant. On other transcripts: intron variant (1).
Genome position (GRCh38, 1-based): chr11:2,884,821, G>T on the plus strand (C>A on the coding strand, the complement: CDKN1C is on the minus strand). VCF-style: chr11-2884821-G-T. GRCh37 (hg19) VCF-style: chr11-2906051-G-T.
Other names: c.669C>A, p.Ser223Arg (NM_000076.2, NM_001362474.2); c.636C>A, p.Ser212Arg (NM_001122631.2); c.255+381C>A (NM_001362475.2); short protein forms S212R, S223R.
Identifiers: ClinVar variation 2860464 (VCV002860464.3), dbSNP rs540923047, ClinGen allele CA379145983.

ClinVar aggregate classification (germline): Uncertain significance (1 of 4 stars; one submission).

Conditions:
Beckwith-Wiedemann syndrome (BWS). Also called: Exomphalos macroglossia gigantism syndrome; EMG SYNDROME. Identifiers: Orphanet 116, MedGen C0004903, MONDO:0007534, OMIM 130650.

Submission:

Labcorp Genetics (formerly Invitae), Labcorp
Classification: Uncertain significance for Beckwith-Wiedemann syndrome. Last evaluated: 2023-05-02. Review status: criteria provided, single submitter. Criteria: Invitae Variant Classification Sherloc (09022015). Collection method: clinical testing. Allele origin: germline.
Comment: In summary, the available evidence is currently insufficient to determine the role of this variant in disease. Therefore, it has been classified as a Variant of Uncertain Significance. Advanced modeling of protein sequence and biophysical properties (such as structural, functional, and spatial information, amino acid conservation, physicochemical variation, residue mobility, and thermodynamic stability) performed at Invitae indicates that this missense variant is not expected to disrupt CDKN1C protein function. This variant has not been reported in the literature in individuals affected with CDKN1C-related conditions. This variant is not present in population databases (gnomAD no frequency). This sequence change replaces serine, which is neutral and polar, with arginine, which is basic and polar, at codon 223 of the CDKN1C protein (p.Ser223Arg).